The following is an entry in ClinVar:

NM_020937.4(FANCM):c.4414G>A (p.Glu1472Lys)

Gene: FANCM (FA complementation group M; plus strand). Cytogenetic location: 14q21.2.
Variant type: single nucleotide variant.
Coding change: c.4414G>A on transcript NM_020937.4 (MANE Select); coding-DNA position 4414, G replaced by A.
Protein change: p.Glu1472Lys; replaces glutamic acid 1472 with lysine.
Molecular consequence: missense variant.
Genome position (GRCh38, 1-based): chr14:45,183,801, G>A. VCF-style: chr14-45183801-G-A. GRCh37 (hg19) VCF-style: chr14-45653004-G-A.
Other names: c.4336G>A, p.Glu1446Lys (NM_001308133.2); short protein forms E1472K, E1446K.
Identifiers: ClinVar variation 4619547 (VCV004619547.1).

ClinVar aggregate classification (germline): Uncertain significance (1 of 4 stars; one submission).

Conditions:
Inborn genetic diseases. Identifiers: MedGen C0950123, MeSH D030342.

gnomAD v4.1: 2 of 1,609,334 alleles (0.00012%); highest among the groups gnomAD compares: South Asian, 0.0022%; no homozygotes.

Submission:

Ambry Genetics
Classification: Uncertain significance for Inborn genetic diseases. Last evaluated: 2025-11-01. Review status: criteria provided, single submitter. Criteria: Ambry Variant Classification Scheme 2023. Collection method: clinical testing. Allele origin: germline.
Comment: The p.E1472K variant (also known as c.4414G>A), located in coding exon 17 of the FANCM gene, results from a G to A substitution at nucleotide position 4414. The glutamic acid at codon 1472 is replaced by lysine, an amino acid with similar properties. This amino acid position is conserved. In addition, this alteration is predicted to be tolerated by in silico analysis. Based on the available evidence, the clinical significance of this variant remains unclear.